The following is an entry in ClinVar:

NM_001128840.3(CACNA1D):c.2TGA[3] (p.Met4_Met7del)

Gene: CACNA1D (calcium voltage-gated channel subunit alpha1 D; plus strand). Cytogenetic location: 3p21.1.
Variant type: Microsatellite.
Coding change: c.2TGA[3] on transcript NM_001128840.3 (MANE Select); three copies in a row of the 3-base unit TGA starting at c.2; the reference has seven copies in a row; four copies, 12 bases deleted.
Protein change: p.Met4_Met7del.
Molecular consequence: inframe deletion, initiator codon variant.
Genome position (GRCh38, 1-based): chr3:53,495,177-53,495,188, TGATGATGATGA deleted; deleting any 12 consecutive bases within chr3:53,495,166-53,495,188 gives the same sequence; the position shown is the placement nearest the transcript's 3' end. VCF-style (leftmost placement, unchanged base first): chr3-53495165-GGATGATGATGAT-G. GRCh37 (hg19) VCF-style: chr3-53529192-GGATGATGATGAT-G.
Other names: c.2TGA[3], p.Met4_Met7del (NM_000720.4, NM_001128839.3).
Identifiers: ClinVar variation 2910639 (VCV002910639.3), dbSNP rs751190058, ClinGen allele CA2453584.

ClinVar aggregate classification (germline): Uncertain significance (1 of 4 stars; one submission).

Submission:

Labcorp Genetics (formerly Invitae), Labcorp
Classification: Uncertain significance. Last evaluated: 2025-07-18. Review status: criteria provided, single submitter. Criteria: Invitae Variant Classification Sherloc (09022015). Collection method: clinical testing. Allele origin: germline.
Comment: This variant, c.11_22del, results in the deletion of 4 amino acid(s) of the CACNA1D protein (p.Met4_Met7del), but otherwise preserves the integrity of the reading frame. This variant is present in population databases (rs780832890, gnomAD 0.0009%). This variant has not been reported in the literature in individuals affected with CACNA1D-related conditions. Experimental studies and prediction algorithms are not available or were not evaluated, and the functional significance of this variant is currently unknown. In summary, the available evidence is currently insufficient to determine the role of this variant in disease. Therefore, it has been classified as a Variant of Uncertain Significance.